The following is an entry in ClinVar:

NM_005245.4(FAT1):c.10226C>T (p.Thr3409Met)

Gene: FAT1 (FAT atypical cadherin 1; minus strand). Cytogenetic location: 4q35.2.
Variant type: single nucleotide variant.
Coding change: c.10226C>T on transcript NM_005245.4 (MANE Select); coding-DNA position 10226, C replaced by T.
Protein change: p.Thr3409Met; replaces threonine 3409 with methionine.
Molecular consequence: missense variant.
Genome position (GRCh38, 1-based): chr4:186,606,194, G>A on the plus strand (C>T on the coding strand, the complement: FAT1 is on the minus strand). VCF-style: chr4-186606194-G-A. GRCh37 (hg19) VCF-style: chr4-187527348-G-A.
Other names: short protein forms T3409M.
Identifiers: ClinVar variation 3848938 (VCV003848938.2).

ClinVar aggregate classification (germline): Uncertain significance. Review status: criteria provided, multiple submitters, no conflicts (2 of 4 stars). 2 submissions from 2 submitters: Uncertain significance (2). Last evaluated 2025-12-15.

Conditions:
Inborn genetic diseases. Identifiers: MedGen C0950123, MeSH D030342.

gnomAD v4.1: 53 of 1,612,864 alleles (0.0033%); highest among the groups gnomAD compares: East Asian, 0.067%; no homozygotes.

Submissions (2):

Labcorp Genetics (formerly Invitae), Labcorp
Classification: Uncertain significance. Last evaluated: 2025-12-15. Review status: criteria provided, single submitter. Criteria: Invitae Variant Classification Sherloc (09022015). Collection method: clinical testing. Allele origin: germline.
Comment: This sequence change replaces threonine, which is neutral and polar, with methionine, which is neutral and non-polar, at codon 3409 of the FAT1 protein (p.Thr3409Met). This variant is present in population databases (rs184300563, gnomAD 0.1%). This variant has not been reported in the literature in individuals affected with FAT1-related conditions. ClinVar contains an entry for this variant (Variation ID: 3848938). Invitae Evidence Modeling of protein sequence and biophysical properties (such as structural, functional, and spatial information, amino acid conservation, physicochemical variation, residue mobility, and thermodynamic stability) has been performed for this missense variant. However, the output from this modeling did not meet the statistical confidence thresholds required to predict the impact of this variant on FAT1 protein function. In summary, the available evidence is currently insufficient to determine the role of this variant in disease. Therefore, it has been classified as a Variant of Uncertain Significance.

Ambry Genetics
Classification: Uncertain significance for Inborn genetic diseases. Last evaluated: 2024-12-20. Review status: criteria provided, single submitter. Criteria: Ambry Variant Classification Scheme 2023. Collection method: clinical testing. Allele origin: germline.